The following is an entry in ClinVar:

ClinVar aggregate classification (germline): Uncertain significance (1 of 4 stars; one submission).

gnomAD v4.1: 8 of 1,613,246 alleles (0.0005%); highest among the groups gnomAD compares: East Asian, 0.0045%; no homozygotes.

Submission:

Labcorp Genetics (formerly Invitae), Labcorp
Classification: Uncertain significance. Last evaluated: 2025-04-12. Review status: criteria provided, single submitter. Criteria: Invitae Variant Classification Sherloc (09022015). Collection method: clinical testing. Allele origin: germline.
Comment: This sequence change replaces tryptophan, which is neutral and slightly polar, with leucine, which is neutral and non-polar, at codon 529 of the FLNB protein (p.Trp529Leu). This variant is present in population databases (rs145086495, gnomAD 0.006%). This variant has not been reported in the literature in individuals affected with FLNB-related conditions. Invitae Evidence Modeling of protein sequence and biophysical properties (such as structural, functional, and spatial information, amino acid conservation, physicochemical variation, residue mobility, and thermodynamic stability) indicates that this missense variant is not expected to disrupt FLNB protein function with a negative predictive value of 95%. In summary, the available evidence is currently insufficient to determine the role of this variant in disease. Therefore, it has been classified as a Variant of Uncertain Significance.

NM_001457.4(FLNB):c.1586G>T (p.Trp529Leu)

Gene: FLNB (filamin B; plus strand). Cytogenetic location: 3p14.3.
Variant type: single nucleotide variant.
Coding change: c.1586G>T on transcript NM_001457.4 (MANE Select); coding-DNA position 1586, G replaced by T.
Protein change: p.Trp529Leu; replaces tryptophan 529 with leucine.
Molecular consequence: missense variant.
Genome position (GRCh38, 1-based): chr3:58,104,061, G>T. VCF-style: chr3-58104061-G-T. GRCh37 (hg19) VCF-style: chr3-58089788-G-T.
Other names: c.1586G>T, p.Trp529Leu (NM_001164317.2, NM_001164318.2, NM_001164319.2); short protein forms W529L.
Identifiers: ClinVar variation 4705642 (VCV004705642.1).